The following is an entry in ClinVar:

ClinVar aggregate classification (germline): Likely pathogenic (1 of 4 stars; one submission).

Conditions:
Early-infantile DEE. Also called: Early infantile epileptic encephalopathy; Ohtahara syndrome; Early infantile epileptic encephalopathy with suppression bursts. Identifiers: Orphanet 1934, MedGen C0393706, MONDO:0800491.

Submission:

Labcorp Genetics (formerly Invitae), Labcorp
Classification: Likely pathogenic for Early-infantile DEE. Last evaluated: 2019-04-23. Review status: criteria provided, single submitter. Criteria: Invitae Variant Classification Sherloc (09022015). Collection method: clinical testing. Allele origin: germline.
Comment: In summary, the currently available evidence indicates that the variant is pathogenic, but additional data are needed to prove that conclusively. Therefore, this variant has been classified as Likely Pathogenic. This variant disrupts the p.Leu1309 amino acid residue in SCN1A. Other variant(s) that disrupt this residue have been determined to be pathogenic (PMID: 20117752, 28102150). This suggests that this residue is clinically significant, and that variants that disrupt this residue are likely to be disease-causing. Algorithms developed to predict the effect of missense changes on protein structure and function (SIFT, PolyPhen-2, Align-GVGD) all suggest that this variant is likely to be disruptive, but these predictions have not been confirmed by published functional studies and their clinical significance is uncertain. This variant has been observed to segregate with epilepsy in a family (Invitae). This variant is not present in population databases (ExAC no frequency). This sequence change replaces leucine with valine at codon 1309 of the SCN1A protein (p.Leu1309Val). The leucine residue is highly conserved and there is a small physicochemical difference between leucine and valine.

Literature cited by the submitters: PubMed 20117752; PubMed 28102150.

NM_001165963.4(SCN1A):c.3925C>G (p.Leu1309Val)

Genes: SCN1A (sodium voltage-gated channel alpha subunit 1; minus strand), LOC102724058 (uncharacterized LOC102724058; plus strand). Cytogenetic location: 2q24.3.
Variant type: single nucleotide variant.
Coding change: c.3925C>G on transcript NM_001165963.4 (MANE Select); coding-DNA position 3925, C replaced by G.
Protein change: p.Leu1309Val; replaces leucine 1309 with valine.
Molecular consequence: missense variant. On other transcripts: non-coding transcript variant (1).
Genome position (GRCh38, 1-based): chr2:166,009,796, G>C on the plus strand (C>G on the coding strand, the complement: SCN1A is on the minus strand). VCF-style: chr2-166009796-G-C. GRCh37 (hg19) VCF-style: chr2-166866306-G-C.
Other names: c.3841C>G, p.Leu1281Val (NM_001165964.3, NM_001353957.2, NM_001353958.2); c.3925C>G, p.Leu1309Val (NM_001202435.3, NM_001353948.2); c.3892C>G, p.Leu1298Val (NM_001353949.2, NM_001353950.2, NM_001353951.2 and 2 more transcripts); c.3889C>G, p.Leu1297Val (NM_001353954.2, NM_001353955.2); c.3838C>G, p.Leu1280Val (NM_001353960.2); c.1483C>G, p.Leu495Val (NM_001353961.2); short protein forms L1297V, L1298V, L1309V, L1280V, L495V, L1281V.
Identifiers: ClinVar variation 663230 (VCV000663230.9), dbSNP rs121918801, ClinGen allele CA349053265.
Genomic context (GRCh38, chr2:166,009,796, plus strand): 5'-GAGATAAGGCTCTTAGAGGTCTCAGAGCTCTTAGTGTCCTGAGAGATTTGATGGCTCCAA[G>C]TTCTGAGTAACCCAAGGCATTTGCTGTTAAACTGACCAATGAAACCTGCACACACAAAAA-3'
Protein context (NP_001159435.1, residues 1299-1319): LTANALGYSE[Leu1309Val]GAIKSLRTLR